The following is an entry in ClinVar:

NM_015450.3(POT1):c.860A>G (p.Gln287Arg)

Gene: POT1 (protection of telomeres 1; minus strand). Cytogenetic location: 7q31.33.
Variant type: single nucleotide variant.
Coding change: c.860A>G on transcript NM_015450.3 (MANE Select); coding-DNA position 860, A replaced by G.
Protein change: p.Gln287Arg; replaces glutamine 287 with arginine.
Molecular consequence: missense variant. On other transcripts: non-coding transcript variant (3).
Genome position (GRCh38, 1-based): chr7:124,852,981, T>C on the plus strand (A>G on the coding strand, the complement: POT1 is on the minus strand). VCF-style: chr7-124852981-T-C. GRCh37 (hg19) VCF-style: chr7-124493035-T-C.
Other names: c.467A>G, p.Gln156Arg (NM_001042594.2); short protein forms Q287R, Q156R.
Identifiers: ClinVar variation 4741149 (VCV004741149.1).

ClinVar aggregate classification (germline): Uncertain significance (1 of 4 stars; one submission).

Conditions:
Tumor predisposition syndrome 3 (TPDS3). Also called: Melanoma, cutaneous malignant, susceptibility to, 10; Glioma susceptibility 9; LONG TELOMERE SYNDROME, POT1-RELATED; POT1 Tumor Predisposition. Identifiers: Orphanet 618, MedGen C4014476, MONDO:0014368, OMIM 615848.

Submission:

Labcorp Genetics (formerly Invitae), Labcorp
Classification: Uncertain significance for Tumor predisposition syndrome 3. Last evaluated: 2025-03-19. Review status: criteria provided, single submitter. Criteria: Invitae Variant Classification Sherloc (09022015). Collection method: clinical testing. Allele origin: germline.
Comment: This sequence change replaces glutamine, which is neutral and polar, with arginine, which is basic and polar, at codon 287 of the POT1 protein (p.Gln287Arg). This variant is not present in population databases (gnomAD no frequency). This variant has not been reported in the literature in individuals affected with POT1-related conditions. Invitae Evidence Modeling of protein sequence and biophysical properties (such as structural, functional, and spatial information, amino acid conservation, physicochemical variation, residue mobility, and thermodynamic stability) indicates that this missense variant is not expected to disrupt POT1 protein function with a negative predictive value of 80%. In summary, the available evidence is currently insufficient to determine the role of this variant in disease. Therefore, it has been classified as a Variant of Uncertain Significance.